The following is an entry in ClinVar:

ClinVar aggregate classification (germline): Benign. Review status: criteria provided, multiple submitters, no conflicts (2 of 4 stars). 2 submissions from 2 submitters: Benign (2). Last evaluated 2018-01-12.

Conditions:
Hereditary factor VIII deficiency disease (HEMA). Also called: AUTOSOMAL HEMOPHILIA A; HEM A; Factor 8 deficiency, congenital; Hemophilia A, congenital; HEMOPHILIA, CLASSIC; Hemophilia A. Identifiers: Orphanet 98878, MedGen C0019069, MONDO:0010602, OMIM 306700.

Allele frequency attached by ClinVar (database versions not stated): gnomAD 0.00054 and 0.00083; TOPMed 0.00102; 1000 Genomes Project 30x 0.00479; 1000 Genomes Project 0.00503.

Submissions (2):

Illumina Laboratory Services, Illumina
Classification: Benign for Hereditary factor VIII deficiency disease. Last evaluated: 2018-01-12. Review status: criteria provided, single submitter. Criteria: ICSL Variant Classification Criteria 13 December 2019. Collection method: clinical testing. Allele origin: germline.
Comment: This variant was observed in the ICSL laboratory as part of a predisposition screen in an ostensibly healthy population. It had not been previously curated by ICSL or reported in the Human Gene Mutation Database (HGMD: prior to June 1st, 2018), and was therefore a candidate for classification through an automated scoring system. Utilizing variant allele frequency, disease prevalence and penetrance estimates, and inheritance mode, an automated score was calculated to assess if this variant is too frequent to cause the disease. Based on the score and internal cut-off values, a variant classified as benign is not then subjected to further curation. The score for this variant resulted in a classification of benign for this disease.

Breakthrough Genomics
Classification: Benign. Review status: criteria provided, single submitter. Criteria: ACMG Guidelines, 2015. Collection method: not provided. Allele origin: germline. Inheritance: X-linked inheritance. Affected: yes.

NM_000132.4(F8):c.*1214G>A

Gene: F8 (coagulation factor VIII; minus strand). Cytogenetic location: Xq28.
Variant type: single nucleotide variant.
Coding change: c.*1214G>A on transcript NM_000132.4 (MANE Select); 1214 bases downstream of the stop codon, G replaced by A.
Molecular consequence: 3 prime UTR variant.
Genome position (GRCh38, 1-based): chrX:154,836,383, C>T on the plus strand (G>A on the coding strand, the complement: F8 is on the minus strand). VCF-style: chrX-154836383-C-T. GRCh37 (hg19) VCF-style: chrX-154064658-C-T.
Other names: c.*1214G>A (NM_019863.3).
Identifiers: ClinVar variation 368107 (VCV000368107.6), dbSNP rs34700571, ClinGen allele CA10654284.